The following is an entry in ClinVar:

ClinVar aggregate classification (germline): Uncertain significance. Review status: criteria provided, single submitter (1 of 4 stars). 2 submissions from 2 submitters: Uncertain significance (1). 1 of the submissions does not count toward it. Last evaluated 2025-11-13.

Conditions:
SEMA3F-related disorder. Also called: SEMA3F-related condition.

Allele frequency attached by ClinVar (database versions not stated): gnomAD exomes 0.00001; TOPMed 0.00001.
gnomAD v4.1: 15 of 1,613,866 alleles (0.00093%); highest among the groups gnomAD compares: Admixed American, 0.0017%; no homozygotes.

Submissions (2):

Ambry Genetics
Classification: Uncertain significance. Last evaluated: 2025-11-13. Review status: criteria provided, single submitter. Criteria: Ambry Variant Classification Scheme 2023. Collection method: clinical testing. Allele origin: germline.

PreventionGenetics, part of Exact Sciences
Classification: Uncertain significance for SEMA3F-related condition. Last evaluated: 2024-06-14. Review status: no assertion criteria provided. Collection method: clinical testing. Allele origin: germline. Not counted in ClinVar's aggregate classification.
Comment: The SEMA3F c.751C>T variant is predicted to result in the amino acid substitution p.Arg251Trp. To our knowledge, this variant has not been reported in the literature. This variant is reported in 0.0058% of alleles in individuals of Latino descent in gnomAD. At this time, the clinical significance of this variant is uncertain due to the absence of conclusive functional and genetic evidence.

NM_004186.5(SEMA3F):c.751C>T (p.Arg251Trp)

Gene: SEMA3F (semaphorin 3F; plus strand). Cytogenetic location: 3p21.31.
Variant type: single nucleotide variant.
Coding change: c.751C>T on transcript NM_004186.5 (MANE Select); coding-DNA position 751, C replaced by T.
Protein change: p.Arg251Trp; replaces arginine 251 with tryptophan.
Molecular consequence: missense variant.
Genome position (GRCh38, 1-based): chr3:50,182,391, C>T. VCF-style: chr3-50182391-C-T. GRCh37 (hg19) VCF-style: chr3-50219824-C-T.
Other names: c.454C>T, p.Arg152Trp (NM_001318798.2); c.658C>T, p.Arg220Trp (NM_001318800.2); c.751C>T (NM_004186.3); short protein forms R152W, R220W, R251W.
Identifiers: ClinVar variation 2629113 (VCV002629113.4), dbSNP rs1465334003, ClinGen allele CA352887668.